The following is an entry in ClinVar:

ClinVar aggregate classification (germline): Uncertain significance (1 of 4 stars; one submission).

Conditions:
Cerebral cavernous malformation (CCM). Also called: Cerebral cavernous hemangioma (type); Cerebral cavernous malformations; Cavernous Hemangioma of Brain; CAVERNOUS ANGIOMA, FAMILIAL; CAVERNOUS ANGIOMATOUS MALFORMATIONS; CEREBRAL CAPILLARY MALFORMATIONS. Identifiers: Orphanet 221061, MedGen C2919945, MONDO:0000820, OMIM 116860, HP:0033522.

Submission:

Labcorp Genetics (formerly Invitae), Labcorp
Classification: Uncertain significance for Cerebral cavernous malformation. Last evaluated: 2023-08-24. Review status: criteria provided, single submitter. Criteria: Invitae Variant Classification Sherloc (09022015). Collection method: clinical testing. Allele origin: germline.
Comment: In summary, the available evidence is currently insufficient to determine the role of this variant in disease. Therefore, it has been classified as a Variant of Uncertain Significance. Advanced modeling of protein sequence and biophysical properties (such as structural, functional, and spatial information, amino acid conservation, physicochemical variation, residue mobility, and thermodynamic stability) performed at Invitae indicates that this missense variant is not expected to disrupt KRIT1 protein function. This variant has not been reported in the literature in individuals affected with KRIT1-related conditions. This variant is not present in population databases (gnomAD no frequency). This sequence change replaces isoleucine, which is neutral and non-polar, with valine, which is neutral and non-polar, at codon 373 of the KRIT1 protein (p.Ile373Val).

NM_194454.3(KRIT1):c.1117A>G (p.Ile373Val)

Gene: KRIT1 (KRIT1 ankyrin repeat containing; minus strand). Cytogenetic location: 7q21.2.
Variant type: single nucleotide variant.
Coding change: c.1117A>G on transcript NM_194454.3 (MANE Select); coding-DNA position 1117, A replaced by G.
Protein change: p.Ile373Val; replaces isoleucine 373 with valine.
Molecular consequence: missense variant.
Genome position (GRCh38, 1-based): chr7:92,226,555, T>C on the plus strand (A>G on the coding strand, the complement: KRIT1 is on the minus strand). VCF-style: chr7-92226555-T-C. GRCh37 (hg19) VCF-style: chr7-91855869-T-C.
Other names: c.973A>G, p.Ile325Val (NM_001013406.2, NM_001350669.1, NM_001350670.1); c.403A>G, p.Ile135Val (NM_001350671.1); c.1117A>G, p.Ile373Val (NM_001350672.1, NM_001350673.1, NM_001350674.1 and 26 more transcripts); short protein forms I135V, I373V, I325V.
Identifiers: ClinVar variation 2839975 (VCV002839975.3), dbSNP rs2535885848, ClinGen allele CA368152488.